The following is an entry in ClinVar:

NM_000245.4(MET):c.10C>A (p.Pro4Thr)

Gene: MET (MET proto-oncogene, receptor tyrosine kinase; plus strand). Cytogenetic location: 7q31.2.
Variant type: single nucleotide variant.
Coding change: c.10C>A on transcript NM_000245.4 (MANE Select); coding-DNA position 10, C replaced by A.
Protein change: p.Pro4Thr; replaces proline 4 with threonine.
Molecular consequence: missense variant. On other transcripts: intron variant (1).
Genome position (GRCh38, 1-based): chr7:116,699,094, C>A. VCF-style: chr7-116699094-C-A. GRCh37 (hg19) VCF-style: chr7-116339148-C-A.
Other names: c.10C>A, p.Pro4Thr (NM_001127500.3, NM_001324401.3); c.-91+26517C>A (NM_001324402.2); short protein forms P4T.
Identifiers: ClinVar variation 3650954 (VCV003650954.2).
Genomic context (GRCh38, chr7:116,699,094, plus strand): 5'-CAACTGAACTGCTCTCGCCTTGAACCTGTTTTGGCAGATAAACCTCTCATAATGAAGGCC[C>A]CCGCTGTGCTTGCACCTGGCATCCTCGTGCTCCTGTTTACCTTGGTGCAGAGGAGCAATG-3'
Protein context (NP_000236.2, residues 1-14): MKA[Pro4Thr]AVLAPGILVL

ClinVar aggregate classification (germline): Uncertain significance (1 of 4 stars; one submission).

Conditions:
Renal cell carcinoma. Identifiers: Orphanet 217071, MedGen C0007134, MeSH D002292, MONDO:0005086, HP:0005584.

Submission:

Labcorp Genetics (formerly Invitae), Labcorp
Classification: Uncertain significance for Renal cell carcinoma. Last evaluated: 2024-04-25. Review status: criteria provided, single submitter. Criteria: Invitae Variant Classification Sherloc (09022015). Collection method: clinical testing. Allele origin: germline.
Comment: This sequence change replaces proline, which is neutral and non-polar, with threonine, which is neutral and polar, at codon 4 of the MET protein (p.Pro4Thr). This variant is not present in population databases (gnomAD no frequency). This variant has not been reported in the literature in individuals affected with MET-related conditions. An algorithm developed to predict the effect of missense changes on protein structure and function (PolyPhen-2) suggests that this variant is likely to be tolerated. In summary, the available evidence is currently insufficient to determine the role of this variant in disease. Therefore, it has been classified as a Variant of Uncertain Significance.